The following is an entry in ClinVar:

ClinVar aggregate classification (germline): Conflicting classifications of pathogenicity. Review status: criteria provided, conflicting classifications (1 of 4 stars). 9 submissions from 9 submitters: Uncertain significance (6); Likely benign (3). Last evaluated 2026-02-03.

Conditions:
Cardiovascular phenotype. Identifiers: MedGen CN230736.
Cardiomyopathy, dilated, with wooly hair, keratoderma, and tooth agenesis. Also called: Erythrokeratodermia-cardiomyopathy syndrome; Cardiomyopathy, dilated, with woolly hair, keratoderma, and tooth agenesis. Identifiers: Orphanet 476096, Orphanet 65282, MedGen C4014393, MONDO:0014355, OMIM 615821.
Arrhythmogenic right ventricular dysplasia 8 (ARVD8). Also called: ARRHYTHMOGENIC RIGHT VENTRICULAR DYSPLASIA, FAMILIAL, 8; Arrhythmogenic Right Ventricular Dysplasia/Cardiomyopathy 8; ARRHYTHMOGENIC RIGHT VENTRICULAR CARDIOMYOPATHY 8. Identifiers: MedGen C1843896, MONDO:0011831, OMIM 607450.
Keratosis palmoplantaris striata 2. Also called: Keratosis palmoplantaris striata II; KERATODERMA, PALMOPLANTAR, STRIATE FORM II; STRIATE PALMOPLANTAR KERATODERMA II. Identifiers: MedGen C1852127, MONDO:0013034, OMIM 612908.
Woolly hair-skin fragility syndrome (WHSF). Identifiers: Orphanet 293165, MedGen C1843292, MONDO:0957307, OMIM 620415.
Lethal acantholytic epidermolysis bullosa (EBLA). Identifiers: Orphanet 158687, MedGen C1864826, MONDO:0012323, OMIM 609638.
Arrhythmogenic cardiomyopathy with wooly hair and keratoderma. Also called: Arrhythmogenic cardiomyopathy with woolly hair and keratoderma; Carvajal syndrome; Dilated cardiomyopathy with woolly hair and keratoderma; PALMOPLANTAR KERATODERMA WITH LEFT VENTRICULAR CARDIOMYOPATHY AND WOOLLY HAIR. Identifiers: Orphanet 65282, MedGen C1854063, MONDO:0011581, OMIM 605676.
Cardiomyopathy (CMYO). Also called: Cardiomyopathies. Identifiers: Orphanet 167848, MedGen C0878544, MONDO:0004994, HP:0001638. Inheritance: Various modes of inheritance.

Allele frequency attached by ClinVar (database versions not stated): gnomAD exomes 0.00007 and 0.00010; ExAC 0.00008; ESP Exome Variant Server 0.00008; gnomAD 0.00009; TOPMed 0.00013.
gnomAD v4.1: 170 of 1,612,978 alleles (0.011%); highest among the groups gnomAD compares: Non-Finnish European, 0.013%; no homozygotes.

Submissions (10):

Labcorp Genetics (formerly Invitae), Labcorp
Classification: Likely benign for Arrhythmogenic cardiomyopathy with wooly hair and keratoderma; Arrhythmogenic right ventricular dysplasia 8. Last evaluated: 2026-02-03. Review status: criteria provided, single submitter. Criteria: Invitae Variant Classification Sherloc (09022015). Collection method: clinical testing. Allele origin: germline.

Ambry Genetics
Classification: Uncertain significance for Cardiovascular phenotype. Last evaluated: 2026-01-05. Review status: criteria provided, single submitter. Criteria: Ambry Variant Classification Scheme 2023. Collection method: clinical testing. Allele origin: germline.
Comment: The c.2799G>C (p.L933F) alteration is located in exon 20 (coding exon 20) of the DSP gene. This alteration results from a G to C substitution at nucleotide position 2799, causing the leucine (L) at amino acid position 933 to be replaced by a phenylalanine (F). Based on data from gnomAD, the C allele has an overall frequency of 0.007% (21/282260) total alleles studied. The highest observed frequency was 0.016% (20/128910) of European (non-Finnish) alleles. Based on insufficient or conflicting evidence, the clinical significance of this alteration remains unclear.

Molecular Diagnostic Laboratory for Inherited Cardiovascular Disease, Montreal Heart Institute
Classification: Uncertain significance for Cardiovascular phenotype. Last evaluated: 2025-02-17. Review status: criteria provided, single submitter. Criteria: ACMG Guidelines, 2015. Collection method: clinical testing. Allele origin: germline. Affected: yes.

Color Diagnostics, LLC DBA Color Health
Classification: Likely benign for Cardiomyopathy. Last evaluated: 2024-03-19. Review status: criteria provided, single submitter. Criteria: ACMG Guidelines, 2015. Collection method: clinical testing. Allele origin: germline.

Blueprint Genetics
Classification: Likely benign. Last evaluated: 2024-03-01. Review status: criteria provided, single submitter. Criteria: ACMG Guidelines, 2015. Collection method: clinical testing. Allele origin: germline.

Fulgent Genetics
Classification: Uncertain significance for Arrhythmogenic cardiomyopathy with wooly hair and keratoderma; Arrhythmogenic right ventricular dysplasia 8; Lethal acantholytic epidermolysis bullosa; Keratosis palmoplantaris striata 2; Cardiomyopathy, dilated, with wooly hair, keratoderma, and tooth agenesis. Last evaluated: 2021-11-01. Review status: criteria provided, single submitter. Criteria: ACMG Guidelines, 2015. Collection method: clinical testing. Allele origin: unknown.

GeneDx
Classification: Uncertain significance. Last evaluated: 2021-06-30. Review status: criteria provided, single submitter. Criteria: GeneDx Variant Classification Process June 2021. Collection method: clinical testing. Allele origin: germline. Affected: yes.
Comment: Observed in an individual with ARVC and classified as a variant of unknown pathogenicity in the published literature (Walsh et al., 2017; Ye et al., 2019); In silico analysis supports that this missense variant has a deleterious effect on protein structure/function; Reported in ClinVar as a variant of uncertain significance (ClinVar Variant ID 265104; Landrum et al., 2016); This variant is associated with the following publications: (PMID: 26582918, 27532257, 27535533, 31402444)

CHEO Genetics Diagnostic Laboratory, Children's Hospital of Eastern Ontario
Classification: Uncertain significance for Cardiomyopathy. Last evaluated: 2019-01-08. Review status: criteria provided, single submitter. Criteria: ACMG Guidelines, 2015. Collection method: clinical testing. Allele origin: germline.

Laboratory for Molecular Medicine, Mass General Brigham Personalized Medicine
Classification: Uncertain significance. Last evaluated: 2017-01-11. Review status: criteria provided, single submitter. Criteria: LMM Criteria. Collection method: clinical testing. Allele origin: germline. Observed: 1 variant allele.
Comment: The p.Leu933Phe variant in DSP has been reported in 1 individual with ARVC (Wals h 2016). This variant has also been reported in ClinVar (Variation ID 265104). T his variant has been identified in 8/65790 European chromosomes by the Exome Agg regation Consortium (ExAC; dbSNP rs372922674). C omputational prediction tools and conservation analysis do not provide strong su pport for or against an impact to the protein. In summary, the clinical signific ance of the p.Leu933Phe variant is uncertain.

Dr. Peter K. Rogan Lab, Western University
No classification provided (evidence only). Condition: Familial cancer of breast. Review status: no classification provided. Collection method: in vitro. Allele origin: not applicable. Functional consequence: retained intron. Not counted in ClinVar's aggregate classification.

Literature cited by the submitters: PubMed 27532257 (cited by Laboratory for Molecular Medicine, Mass General Brigham Personalized Medicine).

NM_004415.4(DSP):c.2799G>C (p.Leu933Phe)

Gene: DSP (desmoplakin; plus strand). Cytogenetic location: 6p24.3.
Variant type: single nucleotide variant.
Coding change: c.2799G>C on transcript NM_004415.4 (MANE Select); coding-DNA position 2799, G replaced by C.
Protein change: p.Leu933Phe; replaces leucine 933 with phenylalanine.
Molecular consequence: missense variant.
Genome position (GRCh38, 1-based): chr6:7,576,964, G>C. VCF-style: chr6-7576964-G-C. GRCh37 (hg19) VCF-style: chr6-7577197-G-C.
Other names: c.2799G>C, p.Leu933Phe (NM_001008844.3, NM_001319034.2); c.2799G>C (NM_004415.3); short protein forms L933F.
Identifiers: ClinVar variation 265104 (VCV000265104.32), dbSNP rs372922674, ClinGen allele CA035566.
Genomic context (GRCh38, chr6:7,576,964, plus strand): 5'-TATTTAAAAATATTTGTATGCATTAACATTGGTAAATATTTCACTTTTTGTATAGAACTT[G>C]CACAGTGAAATATCTGGCAAACGAGACAAATCAGAGGAAGTACAAAAAATTGCTGAACTT-3'
Protein context (NP_004406.2, residues 923-943): VMRFLNEQKN[Leu933Phe]HSEISGKRDK